The following is an entry in ClinVar:

NM_000516.7(GNAS):c.585G>C (p.Gln195His)

Gene: GNAS (GNAS complex locus; plus strand). Cytogenetic location: 20q13.32.
Variant type: single nucleotide variant.
Coding change: c.585G>C on transcript NM_000516.7 (MANE Select); coding-DNA position 585, G replaced by C.
Protein change: p.Gln195His; replaces glutamine 195 with histidine.
Molecular consequence: missense variant. On other transcripts: 3 prime UTR variant (2).
Genome position (GRCh38, 1-based): chr20:58,909,216, G>C. VCF-style: chr20-58909216-G-C. GRCh37 (hg19) VCF-style: chr20-57484271-G-C.
Other names: c.588G>C, p.Gln196His (NM_001077488.5); c.540G>C, p.Gln180His (NM_001077489.4); c.*446G>C (NM_001077490.3); c.408G>C, p.Gln136His (NM_001309840.2, NM_001309861.2, NM_001438276.1 and 1 more transcripts); c.489G>C, p.Gln163His (NM_001410912.1); c.2469G>C, p.Gln823His (NM_001410913.1); c.363G>C, p.Gln121His (NM_001438273.1, NM_001438274.1, NM_001438275.1); c.*491G>C (NM_016592.5); and 2 more; short protein forms Q181H, Q838H, Q195H, Q196H, Q180H, Q823H, Q121H, Q136H.
Identifiers: ClinVar variation 4730140 (VCV004730140.1).
Genomic context (GRCh38, chr20:58,909,216, plus strand): 5'-TCCCAGCTTCCTGGACAAGATCGACGTGATCAAGCAGGCTGACTATGTGCCGAGCGATCA[G>C]GTGTGCAAAACCCCTCCCCACCAGAGGACTCTGAGCCCTCTTTCCAAACTACTCCAGACC-3'
Protein context (NP_000507.1, residues 185-205): IKQADYVPSD[Gln195His]DLLRCRVLTS

ClinVar aggregate classification (germline): Uncertain significance (1 of 4 stars; one submission).

Submission:

Labcorp Genetics (formerly Invitae), Labcorp
Classification: Uncertain significance. Last evaluated: 2025-12-28. Review status: criteria provided, single submitter. Criteria: Invitae Variant Classification Sherloc (09022015). Collection method: clinical testing. Allele origin: germline.
Comment: This sequence change replaces glutamine, which is neutral and polar, with histidine, which is basic and polar, at codon 195 of the GNAS protein (p.Gln195His). This variant also falls at the last nucleotide of exon 7, which is part of the consensus splice site for this exon. This variant is not present in population databases (gnomAD no frequency). This missense change has been observed in individual(s) with pseudohypoparathyroidism (internal data). An algorithm developed to predict the effect of missense changes on protein structure and function (PolyPhen-2) suggests that this variant is likely to be disruptive. Variants that disrupt the consensus splice site are a relatively common cause of aberrant splicing (PMID: 17576681, 9536098). Algorithms developed to predict the effect of sequence changes on RNA splicing suggest that this variant may disrupt the consensus splice site. In summary, the available evidence is currently insufficient to determine the role of this variant in disease. Therefore, it has been classified as a Variant of Uncertain Significance.

Literature cited by the submitters: PubMed 17576681; PubMed 9536098.